The following is an entry in ClinVar:

ClinVar aggregate classification (germline): Conflicting classifications of pathogenicity. Review status: criteria provided, conflicting classifications (1 of 4 stars). 3 submissions from 3 submitters: Likely pathogenic (1); Uncertain significance (2). Last evaluated 2024-07-20.

Conditions:
Long QT syndrome (LQTS). Identifiers: MedGen C0023976, MeSH D008133, MONDO:0002442. Disease mechanism: loss of function. Inheritance: Various modes of inheritance.

Allele frequency attached by ClinVar (database versions not stated): ExAC below 0.00001; gnomAD exomes below 0.00001.

Submissions (3):

All of Us Research Program, National Institutes of Health
Classification: Uncertain significance for Long QT syndrome. Last evaluated: 2024-07-20. Review status: criteria provided, single submitter. Criteria: ACMG Guidelines, 2015. Collection method: clinical testing. Allele origin: germline. Inheritance: Autosomal dominant inheritance. Observed: 1 variant allele, 1 heterozygote.
Comment: This missense variant replaces arginine with histidine at codon 27 of the KCNH2 protein. This variant is found within a highly conserved cytoplasmic region (a.a. 1-130). Rare non-truncating variants in this region have been shown to be significantly overrepresented in individuals with long QT syndrome (PMID: 32893267). Computational prediction suggests that this variant may have deleterious impact on protein structure and function (internally defined REVEL score threshold >= 0.7, PMID: 27666373). To our knowledge, functional studies have not been reported for this variant. This variant has not been reported in individuals affected with KCNH2-related disorders in the literature. This variant has not been identified in the general population by the Genome Aggregation Database (gnomAD). The available evidence is insufficient to determine the role of this variant in disease conclusively. Therefore, this variant is classified as a Variant of Uncertain Significance.

This study involves interpretation of variants in research participants for the purpose of population health screening. Participant phenotype was not available at the time of variant classification. Additional details can be found in publication PMID: 35346344, PMCID: PMC8962531

Labcorp Genetics (formerly Invitae), Labcorp
Classification: Uncertain significance for Long QT syndrome. Last evaluated: 2019-06-29. Review status: criteria provided, single submitter. Criteria: Invitae Variant Classification Sherloc (09022015). Collection method: clinical testing. Allele origin: germline.
Comment: This sequence change replaces arginine with histidine at codon 27 of the KCNH2 protein (p.Arg27His). The arginine residue is weakly conserved and there is a small physicochemical difference between arginine and histidine. The frequency data for this variant in the population databases is considered unreliable, as metrics indicate poor data quality at this position in the ExAC database. This variant has been observed in an individual with clinical features of long QT syndrome (Invitae). ClinVar contains an entry for this variant (Variation ID: 200540). Algorithms developed to predict the effect of missense changes on protein structure and function are either unavailable or do not agree on the potential impact of this missense change (SIFT: "Deleterious"; PolyPhen-2: "Possibly Damaging"; Align-GVGD: "Class C0"). In summary, the available evidence is currently insufficient to determine the role of this variant in disease. Therefore, it has been classified as a Variant of Uncertain Significance.

GeneDx
Classification: Likely pathogenic. Last evaluated: 2014-06-02. Review status: criteria provided, single submitter. Criteria: GeneDx Variant Classification (06012015). Collection method: clinical testing. Allele origin: germline. Affected: yes.
Comment: p.Arg27His (CGT>CAT): c.80 G>A in exon 2 of the KCNH2 gene (NM_000238.2)While the R27H variant in the KCNH2 gene has not been reported to our knowledge, a mutation affecting this same residue, R27P, has been reported previously in one patient with LQTS, and was not reported in 200 Japanese control individuals (Itoh H et al., 2010). However, Itoh et al. did not report clinical information or segregation data for this patient and did not test for several other LQTS-related genes (Itoh et al., 2010). The R27H variant was not observed in approximately 6,500 individuals of European and African American ancestry in the NHLBI Exome Sequencing Project, indicating it is not a common benign variant in these populations. This substitution occurs at a position that is conserved across species. In silico analysis predicts this variant is probably damaging to the protein structure/function. Furthermore, missense mutations in nearby residues (S26I, K28E, F29S, F29L) have been reported in association with LQTS, supporting the functional importance of this residue and region of the protein. However, the R27H variant is a conservative amino acid substitution, which is not likely to impact secondary protein structure as these residues share similar properties. Therefore, this variant is a strong candidate for a pathogenic mutation, however the possibility that it is a benign variant cannot be excluded. The variant is found in LQT panel(s).

Literature cited by the submitters: PubMed 32893267 (cited by All of Us Research Program, National Institutes of Health).

NM_000238.4(KCNH2):c.80G>A (p.Arg27His)

Gene: KCNH2 (potassium voltage-gated channel subfamily H member 2; minus strand). Cytogenetic location: 7q36.1.
Variant type: single nucleotide variant.
Coding change: c.80G>A on transcript NM_000238.4 (MANE Select); coding-DNA position 80, G replaced by A.
Protein change: p.Arg27His; replaces arginine 27 with histidine.
Molecular consequence: missense variant.
Genome position (GRCh38, 1-based): chr7:150,974,938, C>T on the plus strand (G>A on the coding strand, the complement: KCNH2 is on the minus strand). VCF-style: chr7-150974938-C-T. GRCh37 (hg19) VCF-style: chr7-150672026-C-T.
Other names: p.R27H:CGT>CAT; c.-98G>A (NM_001406755.1); c.80G>A, p.Arg27His (NM_172056.3); short protein forms R27H.
Identifiers: ClinVar variation 200540 (VCV000200540.13), dbSNP rs199472828, ClinGen allele CA008830.
Genomic context (GRCh38, chr7:150,974,938, plus strand): 5'-CCGTCGTTGCAGTAGATGACGGCGCAGTTCTCCACCCGAGCGTTGGCGATGATGAACTTA[C>T]GGCCTAGGGGGGCGGGGAGGAGAGTGCGCGTGAGCGGGGACCCCAGCCTCCGGGACTCCC-3'
Protein context (NP_000229.1, residues 17-37): TIIRKFEGQS[Arg27His]KFIIANARVE